The following is an entry in ClinVar:

NM_000136.3(FANCC):c.1543A>G (p.Thr515Ala)

Genes: AOPEP (aminopeptidase O (putative); plus strand), FANCC (FA complementation group C; minus strand). Cytogenetic location: 9q22.32.
Variant type: single nucleotide variant.
Coding change: c.1543A>G on transcript NM_000136.3 (MANE Select); coding-DNA position 1543, A replaced by G.
Protein change: p.Thr515Ala; replaces threonine 515 with alanine.
Molecular consequence: missense variant.
Genome position (GRCh38, 1-based): chr9:95,101,841, T>C on the plus strand (A>G on the coding strand, the complement: FANCC is on the minus strand). VCF-style: chr9-95101841-T-C. GRCh37 (hg19) VCF-style: chr9-97864123-T-C.
Other names: c.1543A>G, p.Thr515Ala (NM_001243743.2); short protein forms T515A.
Identifiers: ClinVar variation 4254397 (VCV004254397.1).

ClinVar aggregate classification (germline): Uncertain significance (1 of 4 stars; one submission).

Conditions:
Hereditary cancer-predisposing syndrome. Also called: Hereditary Cancer Syndrome; Hereditary neoplastic syndrome; Neoplastic Syndromes, Hereditary; Tumor predisposition. Identifiers: Orphanet 140162, MedGen C0027672, MeSH D009386, MONDO:0015356.

Submission:

Ambry Genetics
Classification: Uncertain significance for Hereditary cancer-predisposing syndrome. Last evaluated: 2025-08-25. Review status: criteria provided, single submitter. Criteria: Ambry Variant Classification Scheme 2023. Collection method: clinical testing. Allele origin: germline.
Comment: The p.T515A variant (also known as c.1543A>G), located in coding exon 14 of the FANCC gene, results from an A to G substitution at nucleotide position 1543. The threonine at codon 515 is replaced by alanine, an amino acid with similar properties. This amino acid position is conserved. In addition, this alteration is predicted to be tolerated by in silico analysis. Based on the available evidence, the clinical significance of this variant remains unclear.